The following is an entry in ClinVar:

ClinVar aggregate classification (germline): Likely benign (1 of 4 stars; one submission).

Allele frequency attached by ClinVar (database versions not stated): 1000 Genomes Project 0.00040; gnomAD 0.00490; 1000 Genomes Project 30x 0.01218.

Submission:

CeGaT Center for Human Genetics Tuebingen
Classification: Likely benign. Last evaluated: 2023-02-01. Review status: criteria provided, single submitter. Criteria: CeGaT Center For Human Genetics Tuebingen Variant Classification Criteria Version 2. Collection method: clinical testing. Allele origin: germline. Affected: yes. Observed: 1 variant allele.
Comment: PRAMEF4: BS2

NM_001009611.4(PRAMEF4):c.584G>A (p.Arg195His)

Gene: PRAMEF4 (PRAME family member 4; minus strand). Cytogenetic location: 1p36.21.
Variant type: single nucleotide variant.
Coding change: c.584G>A on transcript NM_001009611.4 (MANE Select); coding-DNA position 584, G replaced by A.
Protein change: p.Arg195His; replaces arginine 195 with histidine.
Molecular consequence: missense variant.
Genome position (GRCh38, 1-based): chr1:12,882,145, C>T on the plus strand (G>A on the coding strand, the complement: PRAMEF4 is on the minus strand). VCF-style: chr1-12882145-C-T. GRCh37 (hg19) VCF-style: chr1-12941966-C-T.
Other names: short protein forms R195H.
Identifiers: ClinVar variation 2638275 (VCV002638275.24), dbSNP rs199893728, ClinGen allele CA18149152.